The following is an entry in ClinVar:

NM_000218.3(KCNQ1):c.1514+22071C>T

Genes: KCNQ1 (potassium voltage-gated channel subfamily Q member 1; plus strand), KCNQ1OT1 (KCNQ1 opposite strand/antisense transcript 1; minus strand). Cytogenetic location: 11p15.5.
Variant type: single nucleotide variant.
Coding change: c.1514+22071C>T on transcript NM_000218.3 (MANE Select); 22071 bases into the intron after coding-DNA position 1514, C replaced by T.
Molecular consequence: intron variant.
Genome position (GRCh38, 1-based): chr11:2,684,152, C>T. VCF-style: chr11-2684152-C-T. GRCh37 (hg19) VCF-style: chr11-2705382-C-T.
Other names: c.1244+22071C>T (NM_001406837.1); c.1418+22071C>T (NM_001406836.1); c.974+22071C>T (NM_001406838.1); c.1133+22071C>T (NM_181798.2).
Identifiers: ClinVar variation 2498494 (VCV002498494.28), dbSNP rs191155054, ClinGen allele CA216187241.
Genomic context (GRCh38, chr11:2,684,152, plus strand): 5'-TTTCAGAACCCTTTCACATAGATTCTTAAGGGGACCGTTTCCCTTGAAGAATGGGGTACA[C>T]CAGAGGACTTAGGAAGAGAAGCGCCCACTGGGGCTTGGTCAGACTCTGCCAGGAGACAGG-3'

ClinVar aggregate classification (germline): Likely benign (1 of 4 stars; one submission).

Allele frequency attached by ClinVar (database versions not stated): 1000 Genomes Project 30x 0.00016; 1000 Genomes Project 0.00020; TOPMed 0.00190; gnomAD 0.00214; gnomAD exomes 0.00327.
gnomAD v4.1: 1,115 of 398,606 alleles (0.28%); highest among the groups gnomAD compares: Non-Finnish European, 0.39%; 3 homozygotes.

Submission:

CeGaT Center for Human Genetics Tuebingen
Classification: Likely benign. Last evaluated: 2026-08-01. Review status: criteria provided, single submitter. Criteria: CeGaT Center For Human Genetics Tuebingen Variant Classification Criteria Version 2. Collection method: clinical testing. Allele origin: germline. Affected: yes. Observed: 29 variant alleles.
Comment: KCNQ1OT1: BS2